The following is an entry in ClinVar:

NM_205861.3(DHDDS):c.373C>T (p.His125Tyr)

Gene: DHDDS (dehydrodolichyl diphosphate synthase subunit; plus strand). Cytogenetic location: 1p36.11.
Variant type: single nucleotide variant.
Coding change: c.373C>T on transcript NM_205861.3 (MANE Select); coding-DNA position 373, C replaced by T.
Protein change: p.His125Tyr; replaces histidine 125 with tyrosine.
Molecular consequence: missense variant. On other transcripts: intron variant (1).
Genome position (GRCh38, 1-based): chr1:26,446,365, C>T. VCF-style: chr1-26446365-C-T. GRCh37 (hg19) VCF-style: chr1-26772856-C-T.
Other names: c.373C>T, p.His125Tyr (NM_001243564.2, NM_024887.4); c.94C>T, p.His32Tyr (NM_001319959.2); c.324-1194C>T (NM_001243565.2); short protein forms H32Y, H125Y.
Identifiers: ClinVar variation 2189702 (VCV002189702.3), dbSNP rs1233168370, ClinGen allele CA339142533.
Genomic context (GRCh38, chr1:26,446,365, plus strand): 5'-TCCCTGATCAGGGAGAAACTGCAGAAGCATGGGGTGTGTATCCGGGTCCTGGGCGATCTG[C>T]ACTTGTTGCCCTTGGATCTCCAGGAGCTGATTGCACAAGCTGTACAGGCCACGAAGAACT-3'
Protein context (NP_995583.1, residues 115-135): GVCIRVLGDL[His125Tyr]LLPLDLQELI

ClinVar aggregate classification (germline): Uncertain significance. Review status: criteria provided, multiple submitters, no conflicts (2 of 4 stars). 2 submissions from 2 submitters: Uncertain significance (2). Last evaluated 2024-11-09.

Conditions:
Retinitis pigmentosa 59 (RP59). Identifiers: Orphanet 791, MedGen C3151227, MONDO:0013468, OMIM 613861.

Allele frequency attached by ClinVar (database versions not stated): gnomAD exomes below 0.00001; gnomAD 0.00001; TOPMed 0.00001.
gnomAD v4.1: 5 of 1,613,952 alleles (0.00031%); highest among the groups gnomAD compares: South Asian, 0.0033%; no homozygotes.

Submissions (2):

Labcorp Genetics (formerly Invitae), Labcorp
Classification: Uncertain significance for Retinitis pigmentosa 59. Last evaluated: 2024-11-09. Review status: criteria provided, single submitter. Criteria: Invitae Variant Classification Sherloc (09022015). Collection method: clinical testing. Allele origin: germline.
Comment: This sequence change replaces histidine, which is basic and polar, with tyrosine, which is neutral and polar, at codon 125 of the DHDDS protein (p.His125Tyr). This variant is not present in population databases (gnomAD no frequency). This variant has not been reported in the literature in individuals affected with DHDDS-related conditions. ClinVar contains an entry for this variant (Variation ID: 2189702). Invitae Evidence Modeling of protein sequence and biophysical properties (such as structural, functional, and spatial information, amino acid conservation, physicochemical variation, residue mobility, and thermodynamic stability) indicates that this missense variant is not expected to disrupt DHDDS protein function with a negative predictive value of 80%. In summary, the available evidence is currently insufficient to determine the role of this variant in disease. Therefore, it has been classified as a Variant of Uncertain Significance.

Blueprint Genetics
Classification: Uncertain significance. Last evaluated: 2022-06-28. Review status: criteria provided, single submitter. Criteria: ACMG Guidelines, 2015. Collection method: clinical testing. Allele origin: germline.